The following is an entry in ClinVar:

NM_000238.4(KCNH2):c.2087G>C (p.Arg696Pro)

Gene: KCNH2 (potassium voltage-gated channel subfamily H member 2; minus strand). Cytogenetic location: 7q36.1.
Variant type: single nucleotide variant.
Coding change: c.2087G>C on transcript NM_000238.4 (MANE Select); coding-DNA position 2087, G replaced by C.
Protein change: p.Arg696Pro; replaces arginine 696 with proline.
Molecular consequence: missense variant.
Genome position (GRCh38, 1-based): chr7:150,950,979, C>G on the plus strand (G>C on the coding strand, the complement: KCNH2 is on the minus strand). VCF-style: chr7-150950979-C-G. GRCh37 (hg19) VCF-style: chr7-150648067-C-G.
Other names: c.2087G>C (LRG_288t1); c.1067G>C, p.Arg356Pro (NM_001204798.2, NM_172057.3); c.1799G>C, p.Arg600Pro (NM_001406753.1, NM_001406756.1); c.1910G>C, p.Arg637Pro (NM_001406755.1); c.1787G>C, p.Arg596Pro (NM_001406757.1); c.2087G>C, p.Arg696Pro (NM_172056.3); short protein forms R356P, R696P, R637P, R596P, R600P.
Identifiers: ClinVar variation 67361 (VCV000067361.3), dbSNP rs199473531, ClinGen allele CA006216.

ClinVar aggregate classification (germline): not provided (0 of 4 stars; one submission).

Conditions:
Familial long QT syndrome (RWS). Also called: Congenital long QT syndrome; Romano-Ward syndrome; VENTRICULAR FIBRILLATION WITH PROLONGED QT INTERVAL. Identifiers: Orphanet 768, MedGen C1141890, MONDO:0019171.

Submission:

Cardiovascular Biomedical Research Unit, Royal Brompton & Harefield NHS Foundation Trust
No classification provided. Condition: Familial long QT syndrome. Review status: no classification provided. Collection method: literature only. Allele origin: germline.
Comment: This variant has been reported as associated with Long QT syndrome in the following publications (PMID:16414944). This is a literature report, and does not necessarily reflect the clinical interpretation of the Imperial College / Royal Brompton Cardiovascular Genetics laboratory.

Literature cited by the submitters: PubMed 16414944; PubMed 22581653.